The following is an entry in ClinVar:

ClinVar aggregate classification (germline): Uncertain significance (1 of 4 stars; one submission).

Conditions:
Dilated cardiomyopathy 1M (CMD1M). Identifiers: Orphanet 154, MedGen C1843808, MONDO:0011840, OMIM 607482.
Hypertrophic cardiomyopathy 12. Identifiers: MedGen C2677491, MONDO:0012804, OMIM 612124.

Submission:

Labcorp Genetics (formerly Invitae), Labcorp
Classification: Uncertain significance for Hypertrophic cardiomyopathy 12; Dilated cardiomyopathy 1M. Last evaluated: 2025-10-31. Review status: criteria provided, single submitter. Criteria: Invitae Variant Classification Sherloc (09022015). Collection method: clinical testing. Allele origin: germline.
Comment: This sequence change falls in intron 4 of the CSRP3 gene. It does not directly change the encoded amino acid sequence of the CSRP3 protein. Information on the frequency of this variant in the gnomAD database is not available, as this variant may be reported differently in the database. This variant has not been reported in the literature in individuals affected with CSRP3-related conditions. Experimental studies and prediction algorithms are not available or were not evaluated, and the effect of this variant on mRNA splicing is currently unknown. In summary, the available evidence is currently insufficient to determine the role of this variant in disease. Therefore, it has been classified as a Variant of Uncertain Significance.

NM_003476.5(CSRP3):c.281+18_281+19delinsCG

Gene: CSRP3 (cysteine and glycine rich protein 3; minus strand). Cytogenetic location: 11p15.1.
Variant type: Indel.
Coding change: c.281+18_281+19delinsCG on transcript NM_003476.5 (MANE Select); bases 18 to 19 of the intron after coding-DNA position 281, TC replaced by CG.
Molecular consequence: intron variant.
Genome position (GRCh38, 1-based): chr11:19,188,117-19,188,118, GA replaced by CG on the plus strand (TC replaced by CG on the coding strand, the reverse complement: CSRP3 is on the minus strand). VCF-style: chr11-19188117-GA-CG. GRCh37 (hg19) VCF-style: chr11-19209664-GA-CG.
Other names: c.113-1770_113-1769delinsCG (NM_001369404.1).
Identifiers: ClinVar variation 4792586 (VCV004792586.1).
Genomic context (GRCh38, chr11:19,188,117, plus strand): 5'-ACGTTGCTATGGGAACGAAATGAACTGTCCTGATAATTGGAGACTTTAACAGGCAAGGGG[GA>CG]GCAGGGCAGTAACTCACTGTTGGAACTGCAGGCCGAGATGCTCGCCCGTGTCTGTGCTGA-3'